The following is an entry in ClinVar:

NM_000081.4(LYST):c.740T>C (p.Ile247Thr)

Gene: LYST (lysosomal trafficking regulator; minus strand). Cytogenetic location: 1q42.3.
Variant type: single nucleotide variant.
Coding change: c.740T>C on transcript NM_000081.4 (MANE Select); coding-DNA position 740, T replaced by C.
Protein change: p.Ile247Thr; replaces isoleucine 247 with threonine.
Molecular consequence: missense variant.
Genome position (GRCh38, 1-based): chr1:235,810,078, A>G on the plus strand (T>C on the coding strand, the complement: LYST is on the minus strand). VCF-style: chr1-235810078-A-G. GRCh37 (hg19) VCF-style: chr1-235973378-A-G.
Other names: c.740T>C, p.Ile247Thr (NM_001301365.1); short protein forms I247T.
Identifiers: ClinVar variation 1995763 (VCV001995763.1), dbSNP rs1265221834, ClinGen allele CA344964478.
Genomic context (GRCh38, chr1:235,810,078, plus strand): 5'-TTTTCTAATAAAGATAACAAAACATGACATAAGTCAAATGGAGAATTGTTCATGTTACTG[A>G]TAACAGACAAGGCAGCTGGCTCACTTAAAATGTCAGTGTTTGACCCCTGTCTTGGAATAA-3'
Protein context (NP_000072.2, residues 237-257): ILSEPAALSV[Ile247Thr]SNMNNSPFDL

ClinVar aggregate classification (germline): Uncertain significance (1 of 4 stars; one submission).

Conditions:
Chédiak-Higashi syndrome (CHS). Also called: Chediak-Higashi Syndrome. Identifiers: Orphanet 167, MedGen C0007965, MONDO:0008963, OMIM 214500.

Allele frequency attached by ClinVar (database versions not stated): gnomAD exomes below 0.00001; gnomAD 0.00001.
gnomAD v4.1: 3 of 1,613,964 alleles (0.00019%); highest among the groups gnomAD compares: Admixed American, 0.0033%; no homozygotes.

Submission:

Labcorp Genetics (formerly Invitae), Labcorp
Classification: Uncertain significance for Chédiak-Higashi syndrome. Last evaluated: 2022-07-12. Review status: criteria provided, single submitter. Criteria: Invitae Variant Classification Sherloc (09022015). Collection method: clinical testing. Allele origin: germline.
Comment: This sequence change replaces isoleucine, which is neutral and non-polar, with threonine, which is neutral and polar, at codon 247 of the LYST protein (p.Ile247Thr). This variant is present in population databases (no rsID available, gnomAD 0.006%). This variant has not been reported in the literature in individuals affected with LYST-related conditions. Algorithms developed to predict the effect of missense changes on protein structure and function (SIFT, PolyPhen-2, Align-GVGD) all suggest that this variant is likely to be tolerated. In summary, the available evidence is currently insufficient to determine the role of this variant in disease. Therefore, it has been classified as a Variant of Uncertain Significance.